The following is an entry in ClinVar:

NM_000069.3(CACNA1S):c.695-8G>A

Gene: CACNA1S (calcium voltage-gated channel subunit alpha1 S; minus strand). Cytogenetic location: 1q32.1.
Variant type: single nucleotide variant.
Coding change: c.695-8G>A on transcript NM_000069.3 (MANE Select); 8 bases into the intron before coding-DNA position 695, G replaced by A.
Molecular consequence: intron variant.
Genome position (GRCh38, 1-based): chr1:201,089,471, C>T on the plus strand (G>A on the coding strand, the complement: CACNA1S is on the minus strand). VCF-style: chr1-201089471-C-T. GRCh37 (hg19) VCF-style: chr1-201058599-C-T.
Identifiers: ClinVar variation 1078906 (VCV001078906.11), dbSNP rs779849127, ClinGen allele CA083962.
Genomic context (GRCh38, chr1:201,089,471, plus strand): 5'-GCCCGTCCTGGCGCAGGGCGATGGCTCTTCATTCTCCACCGTGGCCACGATATCTGGAGG[C>T]AGAAGGCAAAGGGAACATCAGACAACAGTAGTAGGTGGACAACGACAGGAGGAAAGGTGT-3'

ClinVar aggregate classification (germline): Likely benign. Review status: criteria provided, multiple submitters, no conflicts (2 of 4 stars). 3 submissions from 3 submitters: Likely benign (3). Last evaluated 2025-02-20.

Conditions:
Hypokalemic periodic paralysis, type 1. Also called: HypoPP; Hypokalemic Periodic Paralysis Type 1 (AD). Identifiers: Orphanet 681, MedGen C3714580, MONDO:0042979, OMIM 170400.
Malignant hyperthermia, susceptibility to, 5 (MHS5). Also called: CACNA1S-Related Malignant Hyperthermia Susceptibility. Identifiers: Orphanet 423, MedGen C1866077, MONDO:0011163, OMIM 601887.

Allele frequency attached by ClinVar (database versions not stated): gnomAD exomes 0.00001 and 0.00003; ExAC 0.00003.
gnomAD v4.1: 25 of 1,613,364 alleles (0.0015%); highest among the groups gnomAD compares: South Asian, 0.022%; no homozygotes.

Submissions (3):

Labcorp Genetics (formerly Invitae), Labcorp
Classification: Likely benign for Hypokalemic periodic paralysis, type 1; Malignant hyperthermia, susceptibility to, 5. Last evaluated: 2025-02-20. Review status: criteria provided, single submitter. Criteria: Invitae Variant Classification Sherloc (09022015). Collection method: clinical testing. Allele origin: germline.

All of Us Research Program, National Institutes of Health
Classification: Likely benign for Malignant hyperthermia, susceptibility to, 5. Last evaluated: 2023-10-27. Review status: criteria provided, single submitter. Criteria: ACMG Guidelines, 2015. Collection method: clinical testing. Allele origin: germline. Inheritance: Autosomal dominant inheritance. Observed: 4 variant alleles, 4 heterozygotes.
Comment: This study involves interpretation of variants in research participants for the purpose of population health screening. Participant phenotype was not available at the time of variant classification. Additional details can be found in publication PMID: 35346344, PMCID: PMC8962531

Color Diagnostics, LLC DBA Color Health
Classification: Likely benign for Malignant hyperthermia, susceptibility to, 5. Last evaluated: 2023-01-24. Review status: criteria provided, single submitter. Criteria: ACMG Guidelines, 2015. Collection method: clinical testing. Allele origin: germline.